The following is an entry in ClinVar:

NM_005458.8(GABBR2):c.1829G>A (p.Cys610Tyr)

Gene: GABBR2 (gamma-aminobutyric acid type B receptor subunit 2; minus strand). Cytogenetic location: 9q22.33.
Variant type: single nucleotide variant.
Coding change: c.1829G>A on transcript NM_005458.8 (MANE Select); coding-DNA position 1829, G replaced by A.
Protein change: p.Cys610Tyr; replaces cysteine 610 with tyrosine.
Molecular consequence: missense variant.
Genome position (GRCh38, 1-based): chr9:98,362,779, C>T on the plus strand (G>A on the coding strand, the complement: GABBR2 is on the minus strand). VCF-style: chr9-98362779-C-T. GRCh37 (hg19) VCF-style: chr9-101125061-C-T.
Other names: short protein forms C610Y.
Identifiers: ClinVar variation 3392826 (VCV003392826.1).

ClinVar aggregate classification (germline): Uncertain significance (1 of 4 stars; one submission).

Submission:

GeneDx
Classification: Uncertain significance. Last evaluated: 2024-06-26. Review status: criteria provided, single submitter. Criteria: GeneDx Variant Classification Process June 2021. Collection method: clinical testing. Allele origin: germline. Affected: yes.
Comment: Not observed at significant frequency in large population cohorts (gnomAD); In silico analysis indicates that this missense variant does not alter protein structure/function; Has not been previously published as pathogenic or benign to our knowledge